The following is an entry in ClinVar:

ClinVar aggregate classification (germline): Conflicting classifications of pathogenicity. Review status: criteria provided, conflicting classifications (1 of 4 stars). 8 submissions from 8 submitters: Pathogenic (3); Likely pathogenic (4); Uncertain significance (1). Last evaluated 2025-03-03.

Conditions:
Walker-Warburg congenital muscular dystrophy. Also called: Muscular dystrophy-dystroglycanopathy, type A; Walker-Warburg syndrome. Identifiers: Orphanet 899, MedGen C0265221, MONDO:0000171.
Autosomal recessive limb-girdle muscular dystrophy type 2K. Also called: MUSCULAR DYSTROPHY-DYSTROGLYCANOPATHY (LIMB-GIRDLE), TYPE C, 1; MUSCULAR DYSTROPHY, LIMB-GIRDLE, TYPE 2K. Identifiers: Orphanet 86812, MedGen C1836373, MONDO:0012248, OMIM 609308.
Muscular dystrophy-dystroglycanopathy (congenital with impaired intellectual development), type B, 1. Also called: MUSCULAR DYSTROPHY, CONGENITAL, POMT1-RELATED; Muscular dystrophy-dystroglycanopathy (congenital with intellectual disability), type B1. Identifiers: MedGen C5436962, MONDO:0013159, OMIM 613155.
POMT1-related disorder. Also called: POMT1-related condition; POMT1-related disorders.
Autosomal recessive limb-girdle muscular dystrophy. Identifiers: Orphanet 102015, MedGen C2931907, MONDO:0015152.
Muscular dystrophy-dystroglycanopathy (congenital with brain and eye anomalies), type A1 (MDDGA1). Also called: WALKER-WARBURG SYNDROME OR MUSCLE-EYE-BRAIN DISEASE, POMT1-RELATED; Hydrocephalus, agyria and retinal dysplasia; Hard +/- E syndrome; Warburg syndrome; Chemke syndrome; Pagon syndrome. Identifiers: Orphanet 588, Orphanet 899, MedGen C4284790, MONDO:0009364, OMIM 236670.

Allele frequency attached by ClinVar (database versions not stated): gnomAD 0.00003; TOPMed 0.00003; gnomAD exomes 0.00006; ExAC 0.00007; ESP Exome Variant Server 0.00015.
gnomAD v4.1: 58 of 1,614,016 alleles (0.0036%); highest among the groups gnomAD compares: South Asian, 0.0055%; no homozygotes.

Submissions (8):

Women's Health and Genetics/Laboratory Corporation of America, LabCorp
Classification: Likely pathogenic for Autosomal recessive limb-girdle muscular dystrophy. Last evaluated: 2025-03-03. Review status: criteria provided, single submitter. Criteria: LabCorp Variant Classification Summary - May 2015. Collection method: clinical testing. Allele origin: germline.
Comment: Variant summary: POMT1 c.1958C>T (p.Pro653Leu) results in a non-conservative amino acid change in the encoded protein sequence. Three of three in-silico tools predict a damaging effect of the variant on protein function. The variant allele was found at a frequency of 6e-05 in 251378 control chromosomes. This frequency is not significantly higher than estimated for a pathogenic variant in POMT1 causing Limb-Girdle Muscular Dystrophy, Autosomal Recessive (6e-05 vs 0.00072), allowing no conclusion about variant significance. c.1958C>T has been reported in the literature in individuals affected with Limb-Girdle Muscular Dystrophy, Autosomal Recessive (examples: Wallace_2014, Geis_2019, Pate_2021). These data indicate that the variant is likely to be associated with disease. To our knowledge, no experimental evidence demonstrating an impact on protein function has been reported. The following publications have been ascertained in the context of this evaluation (PMID: 34925456, 31311558, 24491487). ClinVar contains an entry for this variant (Variation ID: 194962). Based on the evidence outlined above, the variant was classified as likely pathogenic.

GeneDx
Classification: Uncertain significance. Last evaluated: 2025-02-03. Review status: criteria provided, single submitter. Criteria: GeneDx Variant Classification Process June 2021. Collection method: clinical testing. Allele origin: germline. Affected: yes.
Comment: Observed with another POMT1 variant in two patients in published literature reported to have limb-girdle muscular dystrophy, but it is not known whether the variants occurred on the same (in cis) or on different (in trans) chromosomes (PMID: 23894383, 31311558); Reported in an individual from a cohort of patients with suspected muscular dystrophy, but limited clinical information was provided (PMID: 34925456); Not observed at significant frequency in large population cohorts (gnomAD); In silico analysis supports that this missense variant has a deleterious effect on protein structure/function; This variant is associated with the following publications: (PMID: 31589614, 30454682, 31311558, 23894383, 24491487, 34925456)

Labcorp Genetics (formerly Invitae), Labcorp
Classification: Likely pathogenic for Muscular dystrophy-dystroglycanopathy (congenital with impaired intellectual development), type B, 1; Walker-Warburg congenital muscular dystrophy; Autosomal recessive limb-girdle muscular dystrophy type 2K. Last evaluated: 2024-11-11. Review status: criteria provided, single submitter. Criteria: Invitae Variant Classification Sherloc (09022015). Collection method: clinical testing. Allele origin: germline.
Comment: This sequence change replaces proline, which is neutral and non-polar, with leucine, which is neutral and non-polar, at codon 653 of the POMT1 protein (p.Pro653Leu). This variant is present in population databases (rs149682171, gnomAD 0.01%). This missense change has been observed in individual(s) with POMT1-related conditions (PMID: 24491487, 31311558, 34925456). In at least one individual the data is consistent with being in trans (on the opposite chromosome) from a pathogenic variant. It has also been observed to segregate with disease in related individuals. ClinVar contains an entry for this variant (Variation ID: 194962). Invitae Evidence Modeling of protein sequence and biophysical properties (such as structural, functional, and spatial information, amino acid conservation, physicochemical variation, residue mobility, and thermodynamic stability) has been performed for this missense variant. However, the output from this modeling did not meet the statistical confidence thresholds required to predict the impact of this variant on POMT1 protein function. In summary, the currently available evidence indicates that the variant is pathogenic, but additional data are needed to prove that conclusively. Therefore, this variant has been classified as Likely Pathogenic.

Blueprint Genetics
Classification: Pathogenic for POMT1-related disorders. Last evaluated: 2024-09-03. Review status: criteria provided, single submitter. Criteria: ACMG Guidelines, 2015. Collection method: clinical testing. Allele origin: germline. Affected: yes. Observed: 2 variant alleles.

Fulgent Genetics
Classification: Likely pathogenic for Muscular dystrophy-dystroglycanopathy (congenital with brain and eye anomalies), type A1; Autosomal recessive limb-girdle muscular dystrophy type 2K; Muscular dystrophy-dystroglycanopathy (congenital with impaired intellectual development), type B, 1. Last evaluated: 2024-04-22. Review status: criteria provided, single submitter. Criteria: ACMG Guidelines, 2015. Collection method: clinical testing. Allele origin: germline.

Baylor Genetics
Classification: Likely pathogenic for Muscular dystrophy-dystroglycanopathy (congenital with brain and eye anomalies), type A1. Last evaluated: 2024-03-21. Review status: criteria provided, single submitter. Criteria: ACMG Guidelines, 2015. Collection method: clinical testing. Allele origin: unknown.

Revvity Omics, Revvity
Classification: Pathogenic. Last evaluated: 2023-03-08. Review status: criteria provided, single submitter. Criteria: ACMG Guidelines, 2015. Collection method: clinical testing. Allele origin: germline.

Eurofins Ntd Llc (ga)
Classification: Pathogenic. Last evaluated: 2015-04-17. Review status: criteria provided, single submitter. Criteria: EGL Classification Definitions 2015. Collection method: clinical testing. Allele origin: germline. Observed: 1 variant allele, 1 heterozygote.

Literature cited by the submitters: PubMed 31311558 (cited by Women's Health and Genetics/Laboratory Corporation of America, LabCorp and Labcorp Genetics (formerly Invitae), Labcorp); PubMed 24491487 (cited by Women's Health and Genetics/Laboratory Corporation of America, LabCorp and Labcorp Genetics (formerly Invitae), Labcorp); PubMed 34925456 (cited by Women's Health and Genetics/Laboratory Corporation of America, LabCorp and Labcorp Genetics (formerly Invitae), Labcorp).

NM_001077365.2(POMT1):c.1892C>T (p.Pro631Leu)

Gene: POMT1 (protein O-mannosyltransferase 1; plus strand). Cytogenetic location: 9q34.13.
Variant type: single nucleotide variant.
Coding change: c.1892C>T on transcript NM_001077365.2 (MANE Select); coding-DNA position 1892, C replaced by T.
Protein change: p.Pro631Leu; replaces proline 631 with leucine.
Molecular consequence: missense variant. On other transcripts: non-coding transcript variant (10).
Genome position (GRCh38, 1-based): chr9:131,522,113, C>T. VCF-style: chr9-131522113-C-T. GRCh37 (hg19) VCF-style: chr9-134397500-C-T.
Other names: c.1730C>T, p.Pro577Leu (NM_001077366.2, NM_001353194.2); c.1892C>T, p.Pro631Leu (NM_001136113.2); c.1541C>T, p.Pro514Leu (NM_001136114.2, NM_001353195.2, NM_001374691.1 and 2 more transcripts); c.1958C>T, p.Pro653Leu (NM_001353193.2, NM_007171.4); c.1802C>T, p.Pro601Leu (NM_001353196.2); c.1796C>T, p.Pro599Leu (NM_001353197.2, NM_001353198.2); c.1607C>T, p.Pro536Leu (NM_001353199.2); c.1436C>T, p.Pro479Leu (NM_001353200.2); and 3 more; short protein forms P653L, P479L, P514L, P536L, P577L, P601L, P599L, P631L.
Identifiers: ClinVar variation 194962 (VCV000194962.20), dbSNP rs149682171, ClinGen allele CA278501.